The following is an entry in ClinVar:

NM_002838.5(PTPRC):c.1189A>T (p.Ile397Phe)

Gene: PTPRC (protein tyrosine phosphatase receptor type C; plus strand). Cytogenetic location: 1q32.1.
Variant type: single nucleotide variant.
Coding change: c.1189A>T on transcript NM_002838.5 (MANE Select); coding-DNA position 1189, A replaced by T.
Protein change: p.Ile397Phe; replaces isoleucine 397 with phenylalanine.
Molecular consequence: missense variant.
Genome position (GRCh38, 1-based): chr1:198,712,970, A>T. VCF-style: chr1-198712970-A-T. GRCh37 (hg19) VCF-style: chr1-198682099-A-T.
Other names: c.706A>T, p.Ile236Phe (NM_080921.4); short protein forms I236F, I397F.
Identifiers: ClinVar variation 662080 (VCV000662080.8), dbSNP rs775095087, ClinGen allele CA35891305.

ClinVar aggregate classification (germline): Uncertain significance (1 of 4 stars; one submission).

Conditions:
Immunodeficiency 104. Also called: Severe combined immunodeficiency, autosomal recessive, T cell-negative, B cell-positive, NK cell-positive; SCID, AUTOSOMAL RECESSIVE, T CELL-NEGATIVE, B CELL-POSITIVE, NK CELL-POSITIVE; IMMUNODEFICIENCY 104, SEVERE COMBINED; Severe Combined Immune Deficiency, Autosomal Recessive, TCell -Negative, B Cell-Positive, NK Cell-Positive, IL7R-Related. Identifiers: MedGen C5676890, MONDO:0012163, OMIM 608971.

Allele frequency attached by ClinVar (database versions not stated): gnomAD exomes 0.00001; TOPMed 0.00002; gnomAD 0.00003.
gnomAD v4.1: 23 of 1,613,152 alleles (0.0014%); highest among the groups gnomAD compares: Non-Finnish European, 0.0019%; no homozygotes.

Submission:

Labcorp Genetics (formerly Invitae), Labcorp
Classification: Uncertain significance for Immunodeficiency 104. Last evaluated: 2021-08-30. Review status: criteria provided, single submitter. Criteria: Invitae Variant Classification Sherloc (09022015). Collection method: clinical testing. Allele origin: germline.
Comment: This sequence change replaces isoleucine with phenylalanine at codon 397 of the PTPRC protein (p.Ile397Phe). The isoleucine residue is weakly conserved and there is a small physicochemical difference between isoleucine and phenylalanine. This variant is not present in population databases (ExAC no frequency). This variant has not been reported in the literature in individuals affected with PTPRC-related conditions. Algorithms developed to predict the effect of missense changes on protein structure and function (SIFT, PolyPhen-2, Align-GVGD) all suggest that this variant is likely to be tolerated. In summary, the available evidence is currently insufficient to determine the role of this variant in disease. Therefore, it has been classified as a Variant of Uncertain Significance.